The following is an entry in ClinVar:

ClinVar aggregate classification (germline): Pathogenic. Review status: criteria provided, multiple submitters, no conflicts (2 of 4 stars). 2 submissions from 2 submitters: Pathogenic (2). Last evaluated 2026-01-07.

Conditions:
Mucopolysaccharidosis, MPS-III-B (MPS3B). Also called: MPS IIIB (Sanfilippo Syndrome Type B); N-ACETYL-ALPHA-D-GLUCOSAMINIDASE DEFICIENCY; NAGLU DEFICIENCY; SANFILIPPO SYNDROME B; MPS III B; Mucopolysaccharidosis type IIIB (Sanfilippo B). Identifiers: Orphanet 79270, MedGen C0086648, MONDO:0009656, OMIM 252920.
Charcot-Marie-Tooth disease axonal type 2V. Also called: CHARCOT-MARIE-TOOTH NEUROPATHY, TYPE 2V; CHARCOT-MARIE-TOOTH DISEASE, AXONAL, AUTOSOMAL DOMINANT, TYPE 2V. Identifiers: Orphanet 447964, MedGen C5569050, MONDO:0014665, OMIM 616491.

Submissions (2):

Myriad Genetics, Inc.
Classification: Pathogenic for Mucopolysaccharidosis, MPS-III-B. Last evaluated: 2026-01-07. Review status: criteria provided, single submitter. Criteria: Myriad Autosomal Dominant, Autosomal Recessive and X-Linked Classification Criteria (2023). Collection method: clinical testing. Allele origin: unknown.
Comment: NM_000263.3(NAGLU):c.2024G>A(W675*) is a nonsense variant classified as pathogenic in the context of mucopolysaccharidosis type IIIB. W675* has been observed in a case with relevant disease (PMID: 9443875). Relevant functional assessments of this variant are not available in the literature. W675* has been observed in referenced population frequency databases. In summary, NM_000263.3(NAGLU):c.2024G>A(W675*) is a nonsense variant in a gene where loss of function is a known mechanism of disease, is predicted to disrupt protein function, and has been observed more frequently in cases with the relevant disease than in healthy populations. Please note: this variant was assessed in the context of healthy population screening.

Labcorp Genetics (formerly Invitae), Labcorp
Classification: Pathogenic for Charcot-Marie-Tooth disease axonal type 2V; Mucopolysaccharidosis, MPS-III-B. Last evaluated: 2025-12-30. Review status: criteria provided, single submitter. Criteria: Invitae Variant Classification Sherloc (09022015). Collection method: clinical testing. Allele origin: germline.
Comment: This sequence change creates a premature translational stop signal (p.Trp675*) in the NAGLU gene. While this is not anticipated to result in nonsense mediated decay, it is expected to disrupt the last 69 amino acid(s) of the NAGLU protein. This variant is not present in population databases (gnomAD no frequency). This premature translational stop signal has been observed in individual(s) with Sanfilippo syndrome type B (PMID: 9443875). This variant disrupts a region of the NAGLU protein in which other variant(s) (p.Gln706*) have been determined to be pathogenic (PMID: 9443875, 29661560). This suggests that this is a clinically significant region of the protein, and that variants that disrupt it are likely to be disease-causing. For these reasons, this variant has been classified as Pathogenic.

Literature cited by the submitters: PubMed 9443875 (cited by Myriad Genetics, Inc. and Labcorp Genetics (formerly Invitae), Labcorp); PubMed 29661560 (cited by Labcorp Genetics (formerly Invitae), Labcorp).

NM_000263.4(NAGLU):c.2024G>A (p.Trp675Ter)

Gene: NAGLU (N-acetyl-alpha-glucosaminidase; plus strand). Cytogenetic location: 17q21.2.
Variant type: single nucleotide variant.
Coding change: c.2024G>A on transcript NM_000263.4 (MANE Select); coding-DNA position 2024, G replaced by A.
Protein change: p.Trp675Ter; replaces tryptophan 675 with a stop codon.
Molecular consequence: nonsense.
Genome position (GRCh38, 1-based): chr17:42,544,030, G>A. VCF-style: chr17-42544030-G-A. GRCh37 (hg19) VCF-style: chr17-40696048-G-A.
Other names: short protein forms W675*.
Identifiers: ClinVar variation 4783827 (VCV004783827.2).